The following is an entry in ClinVar:

NM_006922.4(SCN3A):c.1950C>A (p.Cys650Ter)

Gene: SCN3A (sodium voltage-gated channel alpha subunit 3; minus strand). Cytogenetic location: 2q24.3.
Variant type: single nucleotide variant.
Coding change: c.1950C>A on transcript NM_006922.4 (MANE Select); coding-DNA position 1950, C replaced by A.
Protein change: p.Cys650Ter; replaces cysteine 650 with a stop codon.
Molecular consequence: nonsense. On other transcripts: intron variant (2).
Genome position (GRCh38, 1-based): chr2:165,140,720, G>T on the plus strand (C>A on the coding strand, the complement: SCN3A is on the minus strand). VCF-style: chr2-165140720-G-T. GRCh37 (hg19) VCF-style: chr2-165997230-G-T.
Other names: c.1872+78C>A (NM_001081676.2, NM_001081677.2); short protein forms C650*.
Identifiers: ClinVar variation 1473889 (VCV001473889.6), dbSNP rs747093972, ClinGen allele CA349046225.
Genomic context (GRCh38, chr2:165,140,720, plus strand): 5'-AAGTTGTCCAGTAGGTGACGTTAGAGCTGAAGGTCCACCCACCAAGGAAACCACACCATT[G>T]CAATCCACAGTGCTGTGCATCTTCCCATTTGCTGGAAGCCCTGGCACCATCCTGGATGAC-3'

ClinVar aggregate classification (germline): Uncertain significance (1 of 4 stars; one submission).

Allele frequency attached by ClinVar (database versions not stated): gnomAD 0.00001.
gnomAD v4.1: 4 of 1,613,924 alleles (0.00025%); highest among the groups gnomAD compares: South Asian, 0.0033%; no homozygotes.

Submission:

Labcorp Genetics (formerly Invitae), Labcorp
Classification: Uncertain significance. Last evaluated: 2024-12-02. Review status: criteria provided, single submitter. Criteria: Invitae Variant Classification Sherloc (09022015). Collection method: clinical testing. Allele origin: germline.
Comment: This sequence change creates a premature translational stop signal (p.Cys650*) in the SCN3A gene. It is expected to result in an absent or disrupted protein product. However, the current clinical and genetic evidence is not sufficient to establish whether loss-of-function variants in SCN3A cause disease. This variant is not present in population databases (gnomAD no frequency). This variant has not been reported in the literature in individuals affected with SCN3A-related conditions. ClinVar contains an entry for this variant (Variation ID: 1473889). In summary, the available evidence is currently insufficient to determine the role of this variant in disease. Therefore, it has been classified as a Variant of Uncertain Significance.